The following is an entry in ClinVar:

ClinVar aggregate classification (germline): Uncertain significance (1 of 4 stars; one submission).

Allele frequency attached by ClinVar (database versions not stated): ExAC 0.00003; ESP Exome Variant Server 0.00008; 1000 Genomes Project 30x 0.00016; 1000 Genomes Project 0.00020.
gnomAD v4.1: 17 of 1,604,862 alleles (0.0011%); highest among the groups gnomAD compares: South Asian, 0.009%; no homozygotes.

Submission:

Labcorp Genetics (formerly Invitae), Labcorp
Classification: Uncertain significance. Last evaluated: 2022-10-17. Review status: criteria provided, single submitter. Criteria: Invitae Variant Classification Sherloc (09022015). Collection method: clinical testing. Allele origin: germline.
Comment: In summary, the available evidence is currently insufficient to determine the role of this variant in disease. Therefore, it has been classified as a Variant of Uncertain Significance. Algorithms developed to predict the effect of missense changes on protein structure and function are either unavailable or do not agree on the potential impact of this missense change (SIFT: "Not Available"; PolyPhen-2: "Probably Damaging"; Align-GVGD: "Not Available"). This variant has not been reported in the literature in individuals affected with TRAPPC9-related conditions. This variant is present in population databases (rs140928207, gnomAD 0.02%). This sequence change replaces aspartic acid, which is acidic and polar, with asparagine, which is neutral and polar, at codon 1165 of the TRAPPC9 protein (p.Asp1165Asn).

NM_001160372.4(TRAPPC9):c.3199G>A (p.Asp1067Asn)

Gene: TRAPPC9 (trafficking protein particle complex subunit 9; minus strand). Cytogenetic location: 8q24.3.
Variant type: single nucleotide variant.
Coding change: c.3199G>A on transcript NM_001160372.4 (MANE Select); coding-DNA position 3199, G replaced by A.
Protein change: p.Asp1067Asn; replaces aspartic acid 1067 with asparagine.
Molecular consequence: missense variant. On other transcripts: non-coding transcript variant (1).
Genome position (GRCh38, 1-based): chr8:139,732,059, C>T on the plus strand (G>A on the coding strand, the complement: TRAPPC9 is on the minus strand). VCF-style: chr8-139732059-C-T. GRCh37 (hg19) VCF-style: chr8-140744302-C-T.
Other names: c.3172G>A, p.Asp1058Asn (NM_001321646.2); c.3220G>A, p.Asp1074Asn (NM_001374682.1); c.3088G>A, p.Asp1030Asn (NM_001374683.1); c.3055G>A, p.Asp1019Asn (NM_001374684.1); c.3199G>A, p.Asp1067Asn (NM_031466.8); short protein forms D1019N, D1030N, D1074N, D1058N, D1067N.
Identifiers: ClinVar variation 1954643 (VCV001954643.5), dbSNP rs140928207, ClinGen allele CA4892782.